The following is an entry in ClinVar:

ClinVar aggregate classification (germline): Pathogenic (1 of 4 stars; one submission).

Conditions:
CEP290-related ciliopathy. Also called: CEP290 ciliopathy. Identifiers: MedGen CN305601, MONDO:0100451.

Submission:

Myriad Genetics, Inc.
Classification: Pathogenic for CEP290-related ciliopathy. Last evaluated: 2025-05-20. Review status: criteria provided, single submitter. Criteria: Myriad Autosomal Dominant, Autosomal Recessive and X-Linked Classification Criteria (2023). Collection method: clinical testing. Allele origin: unknown.
Comment: NM_025114.3(CEP290):c.7072_7073delTT(L2358Nfs*7) is expected to be pathogenic in the context of CEP290-related disorders. This variant is predicted to lead to an abnormal or absent protein product due to the creation of a premature termination codon in CEP290, a gene where loss-of-function variants are known to be pathogenic. Please note: this variant was assessed in the context of healthy population screening.

NM_025114.4(CEP290):c.7072_7073del (p.Leu2358fs)

Gene: CEP290 (centrosomal protein 290; minus strand). Cytogenetic location: 12q21.32.
Variant type: Deletion.
Coding change: c.7072_7073del on transcript NM_025114.4 (MANE Select); coding-DNA positions 7072 to 7073, 2 bases deleted (TT; older notation c.7072_7073delTT).
Protein change: p.Leu2358fs; shifts the reading frame from leucine 2358.
Molecular consequence: frameshift variant.
Genome position (GRCh38, 1-based): chr12:88,053,708-88,053,709, AA deleted on the plus strand (TT on the coding strand, the reverse complement: CEP290 is on the minus strand). VCF-style (leftmost placement, unchanged base first): chr12-88053707-TAA-T. GRCh37 (hg19) VCF-style: chr12-88447484-TAA-T.
Other names: short protein forms L2358fs.
Identifiers: ClinVar variation 5014483 (VCV005014483.1).